The following is an entry in ClinVar:

NM_032737.4(LMNB2):c.177C>A (p.His59Gln)

Genes: LMNB2 (lamin B2; minus strand), LOC130063065 (ATAC-STARR-seq lymphoblastoid silent region 9791; plus strand). Cytogenetic location: 19p13.3.
Variant type: single nucleotide variant.
Coding change: c.177C>A on transcript NM_032737.4 (MANE Select); coding-DNA position 177, C replaced by A.
Protein change: p.His59Gln; replaces histidine 59 with glutamine.
Molecular consequence: missense variant.
Genome position (GRCh38, 1-based): chr19:2,456,757, G>T on the plus strand (C>A on the coding strand, the complement: LMNB2 is on the minus strand). VCF-style: chr19-2456757-G-T. GRCh37 (hg19) VCF-style: chr19-2456755-G-T.
Other names: short protein forms H59Q.
Identifiers: ClinVar variation 576541 (VCV000576541.9), dbSNP rs1437745175, ClinGen allele CA403259898.
Genomic context (GRCh38, chr19:2,456,757, plus strand): 5'-TGAGATCTTGAGCAGGAGCCGGTCGTTCTCCAGCTCCAGCGCGCGGACGCGGTCGATGTA[G>T]TGCGCCAGGCGGTCGTTGAGCTCGCGCAGCTCCTCCTTCTCCTGCAGCCGCGACAGGCGC-3'
Protein context (NP_116126.3, residues 49-69): ELRELNDRLA[His59Gln]YIDRVRALEL

ClinVar aggregate classification (germline): Uncertain significance (1 of 4 stars; one submission).

Conditions:
Lipodystrophy, partial, acquired, susceptibility to (APLD). Also called: APLD, SUSCEPTIBILITY TO. Identifiers: MedGen C3887501, MONDO:0100476, OMIM 608709.
Progressive myoclonic epilepsy type 9. Identifiers: Orphanet 457265, MedGen C4225289, MONDO:0014685, OMIM 616540.

Submission:

Labcorp Genetics (formerly Invitae), Labcorp
Classification: Uncertain significance for Progressive myoclonic epilepsy type 9; Lipodystrophy, partial, acquired, susceptibility to. Last evaluated: 2022-07-19. Review status: criteria provided, single submitter. Criteria: Invitae Variant Classification Sherloc (09022015). Collection method: clinical testing. Allele origin: germline.
Comment: This sequence change replaces histidine, which is basic and polar, with glutamine, which is neutral and polar, at codon 59 of the LMNB2 protein (p.His59Gln). This variant is not present in population databases (gnomAD no frequency). This variant has not been reported in the literature in individuals affected with LMNB2-related conditions. ClinVar contains an entry for this variant (Variation ID: 576541). Algorithms developed to predict the effect of missense changes on protein structure and function output the following: SIFT: "Tolerated"; PolyPhen-2: "Benign"; Align-GVGD: "Class C0". The glutamine amino acid residue is found in multiple mammalian species, which suggests that this missense change does not adversely affect protein function. In summary, the available evidence is currently insufficient to determine the role of this variant in disease. Therefore, it has been classified as a Variant of Uncertain Significance.